The following is an entry in ClinVar:

NM_177438.3(DICER1):c.4390G>A (p.Val1464Ile)

Gene: DICER1 (dicer 1, ribonuclease III; minus strand). Cytogenetic location: 14q32.13.
Variant type: single nucleotide variant.
Coding change: c.4390G>A on transcript NM_177438.3 (MANE Select); coding-DNA position 4390, G replaced by A.
Protein change: p.Val1464Ile; replaces valine 1464 with isoleucine.
Molecular consequence: missense variant.
Genome position (GRCh38, 1-based): chr14:95,096,530, C>T on the plus strand (G>A on the coding strand, the complement: DICER1 is on the minus strand). VCF-style: chr14-95096530-C-T. GRCh37 (hg19) VCF-style: chr14-95562867-C-T.
Other names: c.4390G>A, p.Val1464Ile (NM_001195573.1, NM_001271282.3, NM_001291628.2 and 1 more transcripts); short protein forms V1464I.
Identifiers: ClinVar variation 824858 (VCV000824858.7), dbSNP rs1208091143, ClinGen allele CA390868875.

ClinVar aggregate classification (germline): Uncertain significance. Review status: criteria provided, multiple submitters, no conflicts (2 of 4 stars). 3 submissions from 3 submitters: Uncertain significance (3). Last evaluated 2025-07-09.

Conditions:
Hereditary cancer-predisposing syndrome. Also called: Neoplastic Syndromes, Hereditary; Hereditary Cancer Syndrome; Hereditary neoplastic syndrome; Tumor predisposition. Identifiers: Orphanet 140162, MedGen C0027672, MeSH D009386, MONDO:0015356.
DICER1-related tumor predisposition. Also called: DICER1-related pleuropulmonary blastoma cancer predisposition syndrome; DICER1 syndrome. Identifiers: Orphanet 284343, MedGen C3839822, MONDO:0100216.

Allele frequency attached by ClinVar (database versions not stated): gnomAD exomes below 0.00001.

Submissions (3):

GeneDx
Classification: Uncertain significance. Last evaluated: 2025-07-09. Review status: criteria provided, single submitter. Criteria: GeneDx Variant Classification Process June 2021. Collection method: clinical testing. Allele origin: germline. Affected: yes.
Comment: Not observed at significant frequency in large population cohorts (gnomAD); In silico analysis suggests that this missense variant does not alter protein structure/function; Has not been previously published as pathogenic or benign to our knowledge

Labcorp Genetics (formerly Invitae), Labcorp
Classification: Uncertain significance for DICER1-related tumor predisposition. Last evaluated: 2025-04-13. Review status: criteria provided, single submitter. Criteria: Invitae Variant Classification Sherloc (09022015). Collection method: clinical testing. Allele origin: germline.
Comment: This sequence change replaces valine, which is neutral and non-polar, with isoleucine, which is neutral and non-polar, at codon 1464 of the DICER1 protein (p.Val1464Ile). This variant is present in population databases (no rsID available, gnomAD no frequency). This variant has not been reported in the literature in individuals affected with DICER1-related conditions. ClinVar contains an entry for this variant (Variation ID: 824858). Invitae Evidence Modeling of protein sequence and biophysical properties (such as structural, functional, and spatial information, amino acid conservation, physicochemical variation, residue mobility, and thermodynamic stability) indicates that this missense variant is not expected to disrupt DICER1 protein function with a negative predictive value of 95%. In summary, the available evidence is currently insufficient to determine the role of this variant in disease. Therefore, it has been classified as a Variant of Uncertain Significance.

Ambry Genetics
Classification: Uncertain significance for Hereditary cancer-predisposing syndrome. Last evaluated: 2024-02-22. Review status: criteria provided, single submitter. Criteria: Ambry Variant Classification Scheme 2023. Collection method: clinical testing. Allele origin: germline.
Comment: The p.V1464I variant (also known as c.4390G>A), located in coding exon 22 of the DICER1 gene, results from a G to A substitution at nucleotide position 4390. The valine at codon 1464 is replaced by isoleucine, an amino acid with highly similar properties. This amino acid position is well conserved in available vertebrate species. In addition, the in silico prediction for this alteration is inconclusive. Based on the available evidence, the clinical significance of this alteration remains unclear.